The following is an entry in ClinVar:

NM_001457.4(FLNB):c.228G>C (p.Gln76His)

Gene: FLNB (filamin B; plus strand). Cytogenetic location: 3p14.3.
Variant type: single nucleotide variant.
Coding change: c.228G>C on transcript NM_001457.4 (MANE Select); coding-DNA position 228, G replaced by C.
Protein change: p.Gln76His; replaces glutamine 76 with histidine.
Molecular consequence: missense variant.
Genome position (GRCh38, 1-based): chr3:58,008,792, G>C. VCF-style: chr3-58008792-G-C. GRCh37 (hg19) VCF-style: chr3-57994519-G-C.
Other names: c.228G>C, p.Gln76His (NM_001164317.2, NM_001164318.2, NM_001164319.2); short protein forms Q76H.
Identifiers: ClinVar variation 2815960 (VCV002815960.3), dbSNP rs2477194997, ClinGen allele CA353413271.
Genomic context (GRCh38, chr3:58,008,792, plus strand): 5'-GCTCAGCCAGAAGCGCATGTACCGCAAGTACCATCAGCGGCCCACCTTTCGCCAGATGCA[G>C]CTCGAGAATGTGTCCGTGGCGCTCGAGTTCCTGGACCGTGAGAGCATCAAGCTCGTGTCC-3'
Protein context (NP_001448.2, residues 66-86): YHQRPTFRQM[Gln76His]LENVSVALEF

ClinVar aggregate classification (germline): Uncertain significance (1 of 4 stars; one submission).

Submission:

Labcorp Genetics (formerly Invitae), Labcorp
Classification: Uncertain significance. Last evaluated: 2023-02-22. Review status: criteria provided, single submitter. Criteria: Invitae Variant Classification Sherloc (09022015). Collection method: clinical testing. Allele origin: germline.
Comment: This sequence change replaces glutamine, which is neutral and polar, with histidine, which is basic and polar, at codon 76 of the FLNB protein (p.Gln76His). This variant is not present in population databases (gnomAD no frequency). This variant has not been reported in the literature in individuals affected with FLNB-related conditions. Advanced modeling of protein sequence and biophysical properties (such as structural, functional, and spatial information, amino acid conservation, physicochemical variation, residue mobility, and thermodynamic stability) performed at Invitae indicates that this missense variant is not expected to disrupt FLNB protein function. In summary, the available evidence is currently insufficient to determine the role of this variant in disease. Therefore, it has been classified as a Variant of Uncertain Significance.